The following is an entry in ClinVar:

ClinVar aggregate classification (germline): Conflicting classifications of pathogenicity. Review status: criteria provided, conflicting classifications (1 of 4 stars). 3 submissions from 3 submitters: Uncertain significance (2); Benign (1). Last evaluated 2026-03-12.

Conditions:
Inborn genetic diseases. Identifiers: MedGen C0950123, MeSH D030342.

Allele frequency attached by ClinVar (database versions not stated): TOPMed 0.00002; gnomAD 0.00007; 1000 Genomes Project 30x 0.00016; 1000 Genomes Project 0.00020; ExAC 0.00026.
gnomAD v4.1: 169 of 1,521,942 alleles (0.011%); highest among the groups gnomAD compares: South Asian, 0.2%; 1 homozygote.

Submissions (3):

GeneDx
Classification: Uncertain significance. Last evaluated: 2026-03-12. Review status: criteria provided, single submitter. Criteria: GeneDx Variant Classification Process June 2021. Collection method: clinical testing. Allele origin: germline.
Comment: In silico analysis supports that this missense variant has a deleterious effect on protein structure/function; Has not been previously published as pathogenic or benign to our knowledge

Labcorp Genetics (formerly Invitae), Labcorp
Classification: Benign. Last evaluated: 2025-06-23. Review status: criteria provided, single submitter. Criteria: Invitae Variant Classification Sherloc (09022015). Collection method: clinical testing. Allele origin: germline.

Ambry Genetics
Classification: Uncertain significance for Inborn genetic diseases. Last evaluated: 2021-10-26. Review status: criteria provided, single submitter. Criteria: Ambry Variant Classification Scheme 2023. Collection method: clinical testing. Allele origin: germline.

NM_001046.3(SLC12A2):c.2715C>G (p.Asn905Lys)

Gene: SLC12A2 (solute carrier family 12 member 2; plus strand). Cytogenetic location: 5q23.3.
Variant type: single nucleotide variant.
Coding change: c.2715C>G on transcript NM_001046.3 (MANE Select); coding-DNA position 2715, C replaced by G.
Protein change: p.Asn905Lys; replaces asparagine 905 with lysine.
Molecular consequence: missense variant. On other transcripts: non-coding transcript variant (1).
Genome position (GRCh38, 1-based): chr5:128,167,859, C>G. VCF-style: chr5-128167859-C-G. GRCh37 (hg19) VCF-style: chr5-127503551-C-G.
Other names: c.2715C>G, p.Asn905Lys (NM_001256461.2); short protein forms N905K.
Identifiers: ClinVar variation 2223705 (VCV002223705.4), dbSNP rs532290202, ClinGen allele CA3393421.